The following is an entry in ClinVar:

ClinVar aggregate classification (germline): Uncertain significance (1 of 4 stars; one submission).

Conditions:
Hereditary cancer-predisposing syndrome. Also called: Hereditary neoplastic syndrome; Hereditary Cancer Syndrome; Neoplastic Syndromes, Hereditary; Tumor predisposition. Identifiers: Orphanet 140162, MedGen C0027672, MeSH D009386, MONDO:0015356.

Submission:

Ambry Genetics
Classification: Uncertain significance for Hereditary cancer-predisposing syndrome. Last evaluated: 2023-05-12. Review status: criteria provided, single submitter. Criteria: Ambry Variant Classification Scheme 2023. Collection method: clinical testing. Allele origin: germline.
Comment: The p.L783V variant (also known as c.2347C>G), located in coding exon 10 of the BLM gene, results from a C to G substitution at nucleotide position 2347. The leucine at codon 783 is replaced by valine, an amino acid with highly similar properties. This amino acid position is conserved. In addition, this alteration is predicted to be tolerated by in silico analysis. Since supporting evidence is limited at this time, the clinical significance of this alteration remains unclear.

NM_000057.4(BLM):c.2347C>G (p.Leu783Val)

Gene: BLM (BLM RecQ like helicase; plus strand). Cytogenetic location: 15q26.1.
Variant type: single nucleotide variant.
Coding change: c.2347C>G on transcript NM_000057.4 (MANE Select); coding-DNA position 2347, C replaced by G.
Protein change: p.Leu783Val; replaces leucine 783 with valine.
Molecular consequence: missense variant.
Genome position (GRCh38, 1-based): chr15:90,769,172, C>G. VCF-style: chr15-90769172-C-G. GRCh37 (hg19) VCF-style: chr15-91312402-C-G.
Other names: c.2347C>G, p.Leu783Val (NM_001287246.2, NM_001287247.2); c.1222C>G, p.Leu408Val (NM_001287248.2); short protein forms L783V, L408V.
Identifiers: ClinVar variation 2566835 (VCV002566835.2), dbSNP rs1430052148, ClinGen allele CA393845108.
Genomic context (GRCh38, chr15:90,769,172, plus strand): 5'-TCTAATGTATTTCTGGCCTAGATCTGTGCAAGTAACAGACTCATTTCTACTCTGGAGAAT[C>G]TCTATGAGAGGAAGCTCTTGGCACGTTTTGTTATTGATGAAGCACATTGTGTCAGTCAGG-3'
Protein context (NP_000048.1, residues 773-793): SNRLISTLEN[Leu783Val]YERKLLARFV